The following is an entry in ClinVar:

ClinVar aggregate classification (germline): Uncertain significance (1 of 4 stars; one submission).

Conditions:
Joubert syndrome. Also called: CEREBELLOPARENCHYMAL DISORDER IV; JOUBERT-BOLTSHAUSER SYNDROME; Familial aplasia of the vermis. Identifiers: Orphanet 475, MedGen C5979921, MONDO:0018772.
Nephronophthisis. Also called: Juvenile Nephronophthisis. Identifiers: Orphanet 655, MedGen C0687120, MONDO:0019005, HP:0000090.
Meckel-Gruber syndrome. Also called: DYSENCEPHALIA SPLANCHNOCYSTICA; GRUBER SYNDROME; Dysencephalia splachnocystica. Identifiers: Orphanet 564, MedGen C0265215, MONDO:0018921.

Submission:

Labcorp Genetics (formerly Invitae), Labcorp
Classification: Uncertain significance for Joubert syndrome; Meckel-Gruber syndrome; Nephronophthisis. Last evaluated: 2022-11-01. Review status: criteria provided, single submitter. Criteria: Invitae Variant Classification Sherloc (09022015). Collection method: clinical testing. Allele origin: germline.
Comment: This sequence change replaces glutamic acid, which is acidic and polar, with alanine, which is neutral and non-polar, at codon 1796 of the CEP290 protein (p.Glu1796Ala). In summary, the available evidence is currently insufficient to determine the role of this variant in disease. Therefore, it has been classified as a Variant of Uncertain Significance. Advanced modeling of protein sequence and biophysical properties (such as structural, functional, and spatial information, amino acid conservation, physicochemical variation, residue mobility, and thermodynamic stability) has been performed at Invitae for this missense variant, however the output from this modeling did not meet the statistical confidence thresholds required to predict the impact of this variant on CEP290 protein function. ClinVar contains an entry for this variant (Variation ID: 1381457). This variant has not been reported in the literature in individuals affected with CEP290-related conditions. This variant is not present in population databases (gnomAD no frequency).

NM_025114.4(CEP290):c.5387A>C (p.Glu1796Ala)

Gene: CEP290 (centrosomal protein 290; minus strand). Cytogenetic location: 12q21.32.
Variant type: single nucleotide variant.
Coding change: c.5387A>C on transcript NM_025114.4 (MANE Select); coding-DNA position 5387, A replaced by C.
Protein change: p.Glu1796Ala; replaces glutamic acid 1796 with alanine.
Molecular consequence: missense variant.
Genome position (GRCh38, 1-based): chr12:88,077,896, T>G on the plus strand (A>C on the coding strand, the complement: CEP290 is on the minus strand). VCF-style: chr12-88077896-T-G. GRCh37 (hg19) VCF-style: chr12-88471673-T-G.
Other names: short protein forms E1796A.
Identifiers: ClinVar variation 1381457 (VCV001381457.6), dbSNP rs2137060627, ClinGen allele CA385989250.
Genomic context (GRCh38, chr12:88,077,896, plus strand): 5'-GTTAGTGAGTTTTCTCTGTTTTTACTTGTTTTAAGTGCTTCTTTCAATTTTAAAAGATTT[T>G]CATTTAAATCTTCAACTTGTGTCTAATAAGAGAAAAAGAAAGGTATTATTCATGACTCTT-3'
Protein context (NP_079390.3, residues 1786-1806): ELKTQVEDLN[Glu1796Ala]NLLKLKEALK